The following is an entry in ClinVar:

NM_014252.4(SLC25A15):c.76del (p.Thr26fs)

Gene: SLC25A15 (solute carrier family 25 member 15; plus strand). Cytogenetic location: 13q14.11.
Variant type: Deletion.
Coding change: c.76del on transcript NM_014252.4 (MANE Select); coding-DNA position 76, one base deleted (A; older notation c.76delA).
Protein change: p.Thr26fs; shifts the reading frame from threonine 26.
Molecular consequence: frameshift variant. On other transcripts: non-coding transcript variant (2).
Genome position (GRCh38, 1-based): chr13:40,799,077, A deleted. VCF-style (leftmost placement, unchanged base first): chr13-40799076-GA-G. GRCh37 (hg19) VCF-style: chr13-41373212-GA-G.
Other names: short protein forms T26fs.
Identifiers: ClinVar variation 1441193 (VCV001441193.6), dbSNP rs2138045649, ClinGen allele CA2573149650.
Genomic context (GRCh38, chr13:40,799,076, plus strand): 5'-CTGTAGCCTCGTACTAGAGCAGTCATCTGTCCTGATTGCAGGAGGTACAGCATGTGTACT[GA>G]CCGGGCAGCCCTTTGACACAATGAAAGTGAAGATGCAGACGTTCCCTGACCTGTACCGGG-3'

ClinVar aggregate classification (germline): Pathogenic (1 of 4 stars; one submission).

Conditions:
Hyperornithinemia-hyperammonemia-homocitrullinuria syndrome (HHHS). Also called: HHH SYNDROME; Ornithine translocase deficiency. Identifiers: Orphanet 415, MedGen C0268540, MONDO:0009393, OMIM 238970.

Submission:

Labcorp Genetics (formerly Invitae), Labcorp
Classification: Pathogenic for Hyperornithinemia-hyperammonemia-homocitrullinuria syndrome. Last evaluated: 2021-11-06. Review status: criteria provided, single submitter. Criteria: Invitae Variant Classification Sherloc (09022015). Collection method: clinical testing. Allele origin: germline.
Comment: This sequence change creates a premature translational stop signal (p.Thr26Profs*8) in the SLC25A15 gene. It is expected to result in an absent or disrupted protein product. Loss-of-function variants in SLC25A15 are known to be pathogenic (PMID: 11552031, 19242930). This variant is not present in population databases (gnomAD no frequency). For these reasons, this variant has been classified as Pathogenic. This variant has not been reported in the literature in individuals affected with SLC25A15-related conditions.

Literature cited by the submitters: PubMed 11552031; PubMed 19242930.